The following is an entry in ClinVar:

NM_000329.3(RPE65):c.80C>T (p.Thr27Ile)

Gene: RPE65 (retinoid isomerohydrolase RPE65; minus strand). Cytogenetic location: 1p31.3.
Variant type: single nucleotide variant.
Coding change: c.80C>T on transcript NM_000329.3 (MANE Select); coding-DNA position 80, C replaced by T.
Protein change: p.Thr27Ile; replaces threonine 27 with isoleucine.
Molecular consequence: missense variant.
Genome position (GRCh38, 1-based): chr1:68,448,638, G>A on the plus strand (C>T on the coding strand, the complement: RPE65 is on the minus strand). VCF-style: chr1-68448638-G-A. GRCh37 (hg19) VCF-style: chr1-68914321-G-A.
Other names: c.80C>T (NM_000329.2); short protein forms T27I.
Identifiers: ClinVar variation 195065 (VCV000195065.6), dbSNP rs794727245, ClinGen allele CA241334.

ClinVar aggregate classification (germline): Uncertain significance. Review status: criteria provided, multiple submitters, no conflicts (2 of 4 stars). 2 submissions from 2 submitters: Uncertain significance (2). Last evaluated 2025-06-17.

Conditions:
RPE65-related disorder. Also called: RPE65-related condition; RPE65-related disorders. Identifiers: MedGen CN239301.

Allele frequency attached by ClinVar (database versions not stated): gnomAD exomes below 0.00001; TOPMed below 0.00001.
gnomAD v4.1: 1 of 1,613,962 alleles (0.000062%); highest among the groups gnomAD compares: African/African-American, 0.0013%; no homozygotes.

Submissions (2):

PreventionGenetics, part of Exact Sciences
Classification: Uncertain significance for RPE65-related condition. Last evaluated: 2025-06-17. Review status: criteria provided, single submitter. Criteria: ACMG Guidelines, 2015. Collection method: clinical testing. Allele origin: germline.
Comment: The RPE65 c.80C>T variant is predicted to result in the amino acid substitution p.Thr27Ile. To our knowledge, this variant has not been reported in the literature. This variant is absent in a large population database (gnomAD), indicating this variant is rare. At this time, the clinical significance of this variant is uncertain due to the absence of conclusive functional and genetic evidence.

Eurofins Ntd Llc (ga)
Classification: Uncertain significance. Last evaluated: 2014-08-25. Review status: criteria provided, single submitter. Criteria: EGL Classification Definitions 2015. Collection method: clinical testing. Allele origin: germline. Observed: 1 variant allele, 1 heterozygote.